The following is an entry in ClinVar:

NM_001953.5(TYMP):c.847C>G (p.His283Asp)

Gene: TYMP (thymidine phosphorylase; minus strand). Cytogenetic location: 22q13.33.
Variant type: single nucleotide variant.
Coding change: c.847C>G on transcript NM_001953.5 (MANE Select); coding-DNA position 847, C replaced by G.
Protein change: p.His283Asp; replaces histidine 283 with aspartic acid.
Molecular consequence: missense variant.
Genome position (GRCh38, 1-based): chr22:50,526,657, G>C on the plus strand (C>G on the coding strand, the complement: TYMP is on the minus strand). VCF-style: chr22-50526657-G-C. GRCh37 (hg19) VCF-style: chr22-50965086-G-C.
Other names: His>Asp; c.847C>G, p.His283Asp (LRG_727t2, LRG_727t1, NM_001113755.3 and 3 more transcripts); short protein forms H283D.
Identifiers: ClinVar variation 223041 (VCV000223041.4), dbSNP rs1064792871, ClinGen allele CA16616787.
Genomic context (GRCh38, chr22:50,526,657, plus strand): 5'-TTAAGTCTGGCGGGCCTGCGCCGTCCATGCAGAGCAGCGCCTCCTCCACCTCCAGGGCGT[G>C]GCCCACGCAGCGACCCAGGGGCTTGTCCATGGCGGTCAGCGCTGCCGCGACCCGAAGCCC-3'
Protein context (NP_001944.1, residues 273-293): MDKPLGRCVG[His283Asp]ALEVEEALLC

ClinVar aggregate classification (germline): Uncertain significance. Review status: criteria provided, single submitter (1 of 4 stars). 2 submissions from 2 submitters: Uncertain significance (1). 1 of the submissions does not count toward it. Last evaluated 2022-09-07.

Conditions:
Mitochondrial DNA depletion syndrome 1. Also called: Mitochondrial neurogastrointestinal encephalomyopathy syndrome; Mitochondrial DNA Depletion Syndrome, MNGIE Form; Mitochondrial DNA depletion syndrome 1 (MNGIE type); Mitochondrial Neurogastrointestinal Encephalopathy Disease; MITOCHONDRIAL NEUROGASTROINTESTINAL ENCEPHALOPATHY SYNDROME, TYMP-RELATED; MNGIE, TYMP-RELATED. Identifiers: Orphanet 298, MedGen C4551995, MONDO:0011283, OMIM 603041.

Allele frequency attached by ClinVar (database versions not stated): TOPMed 0.00001.

Submissions (2):

Labcorp Genetics (formerly Invitae), Labcorp
Classification: Uncertain significance. Last evaluated: 2022-09-07. Review status: criteria provided, single submitter. Criteria: Invitae Variant Classification Sherloc (09022015). Collection method: clinical testing. Allele origin: germline.
Comment: This sequence change replaces histidine, which is basic and polar, with aspartic acid, which is acidic and polar, at codon 283 of the TYMP protein (p.His283Asp). This variant is not present in population databases (gnomAD no frequency). This missense change has been observed in individual(s) with mitochondrial neurogastrointestinal encephalomyopathy with other rare variant(s) present on the same allele (PMID: 15505189). ClinVar contains an entry for this variant (Variation ID: 223041). Advanced modeling of protein sequence and biophysical properties (such as structural, functional, and spatial information, amino acid conservation, physicochemical variation, residue mobility, and thermodynamic stability) performed at Invitae indicates that this missense variant is not expected to disrupt TYMP protein function. In summary, the available evidence is currently insufficient to determine the role of this variant in disease. Therefore, it has been classified as a Variant of Uncertain Significance.

GeneReviews
Classification: Pathogenic for Mitochondrial DNA depletion syndrome 1. Last evaluated: 2016-01-14. Review status: no assertion criteria provided. Collection method: literature only. Allele origin: germline. Affected: yes. Not counted in ClinVar's aggregate classification.

Literature cited by the submitters: PubMed 15505189 (cited by Labcorp Genetics (formerly Invitae), Labcorp and GeneReviews).